The following is an entry in ClinVar:

NM_003489.4(NRIP1):c.2658C>G (p.Ala886=)

Gene: NRIP1 (nuclear receptor interacting protein 1; minus strand). Cytogenetic location: 21q11.2.
Variant type: single nucleotide variant.
Coding change: c.2658C>G on transcript NM_003489.4 (MANE Select); coding-DNA position 2658, C replaced by G.
Protein change: p.Ala886=; no amino-acid change (alanine 886 retained).
Molecular consequence: synonymous variant.
Genome position (GRCh38, 1-based): chr21:14,965,535, G>C on the plus strand (C>G on the coding strand, the complement: NRIP1 is on the minus strand). VCF-style: chr21-14965535-G-C. GRCh37 (hg19) VCF-style: chr21-16337856-G-C.
Identifiers: ClinVar variation 3052614 (VCV003052614.2), dbSNP rs2086709590, ClinGen allele CA511671070.

ClinVar aggregate classification (germline): Likely benign (0 of 4 stars; one submission).

Conditions:
NRIP1-related disorder. Also called: NRIP1-related condition.

gnomAD v4.1: 1 of 1,613,912 alleles (0.000062%); highest among the groups gnomAD compares: Non-Finnish European, 0.000085%; no homozygotes.

Submission:

PreventionGenetics, part of Exact Sciences
Classification: Likely benign for NRIP1-related condition. Last evaluated: 2022-11-17. Review status: no assertion criteria provided. Collection method: clinical testing. Allele origin: germline.
Comment: This variant is classified as likely benign based on ACMG/AMP sequence variant interpretation guidelines (Richards et al. 2015 PMID: 25741868, with internal and published modifications).